The following is an entry in ClinVar:

ClinVar aggregate classification (germline): Uncertain significance (1 of 4 stars; one submission).

Submission:

GeneDx
Classification: Uncertain significance. Last evaluated: 2019-08-30. Review status: criteria provided, single submitter. Criteria: GeneDx Variant Classification Process June 2021. Collection method: clinical testing. Allele origin: germline. Affected: yes.
Comment: Not observed in large population cohorts (Lek et al., 2016); In silico analysis, which includes protein predictors and evolutionary conservation, supports that this variant does not alter protein structure/function; Has not been previously published as pathogenic or benign to our knowledge

NM_021224.6(ZNF462):c.1642C>T (p.Pro548Ser)

Gene: ZNF462 (zinc finger protein 462; plus strand). Cytogenetic location: 9q31.2.
Variant type: single nucleotide variant.
Coding change: c.1642C>T on transcript NM_021224.6 (MANE Select); coding-DNA position 1642, C replaced by T.
Protein change: p.Pro548Ser; replaces proline 548 with serine.
Molecular consequence: missense variant.
Genome position (GRCh38, 1-based): chr9:106,925,554, C>T. VCF-style: chr9-106925554-C-T. GRCh37 (hg19) VCF-style: chr9-109687835-C-T.
Other names: c.1642C>T, p.Pro548Ser (NM_001347997.2); short protein forms P548S.
Identifiers: ClinVar variation 1308101 (VCV001308101.2), dbSNP rs2131459000, ClinGen allele CA374385323.